The following is an entry in ClinVar:

ClinVar aggregate classification (germline): Pathogenic (1 of 4 stars; one submission).

Conditions:
Kabuki syndrome. Also called: NIIKAWA-KUROKI SYNDROME; Kabuki make-up syndrome. Identifiers: Orphanet 2322, MedGen C0796004, MONDO:0016512.

Submission:

Labcorp Genetics (formerly Invitae), Labcorp
Classification: Pathogenic for Kabuki syndrome. Last evaluated: 2017-07-02. Review status: criteria provided, single submitter. Criteria: Invitae Variant Classification Sherloc (09022015). Collection method: clinical testing. Allele origin: germline.
Comment: For these reasons, this variant has been classified as Pathogenic. Loss-of-function variants in KMT2D are known to be pathogenic (PMID: 22126750). This variant has not been reported in the literature in individuals with KMT2D-related disease. This variant is not present in population databases (ExAC no frequency). This sequence change creates a premature translational stop signal (p.Lys4613Ilefs*6) in the KMT2D gene. It is expected to result in an absent or disrupted protein product.

Literature cited by the submitters: PubMed 22126750.

NM_003482.4(KMT2D):c.13833_13837dup (p.Lys4613fs)

Gene: KMT2D (lysine methyltransferase 2D; minus strand). Cytogenetic location: 12q13.12.
Variant type: Duplication.
Coding change: c.13833_13837dup on transcript NM_003482.4 (MANE Select); coding-DNA positions 13833 to 13837, 5 bases duplicated (TACCA; older notation c.13833_13837dupTACCA).
Protein change: p.Lys4613fs; shifts the reading frame from lysine 4613.
Molecular consequence: frameshift variant.
Genome position (GRCh38, 1-based): chr12:49,030,603-49,030,607, TGGTA duplicated on the plus strand (TACCA on the coding strand, the reverse complement: KMT2D is on the minus strand). VCF-style (leftmost placement, unchanged base first): chr12-49030602-T-TTGGTA. GRCh37 (hg19) VCF-style: chr12-49424385-T-TTGGTA.
Other names: c.13833_13837dupTACCA (NM_003482.3); short protein forms K4613fs.
Identifiers: ClinVar variation 463007 (VCV000463007.6), dbSNP rs1555187105, ClinGen allele CA658658151.
Genomic context (GRCh38, chr12:49,030,602, plus strand): 5'-CCCACCCTCACCTTCCCAAGAACTTCACTATTCCCAAAAAATATTGCCATTTTTCTGACC[T>TTGGTA]TGGTAAGCAGCTGGGAATAGTAGTCAGGGCCAGTGGGCAGCGCCCCACTTCCAAAGGCCC-3'